The following is an entry in ClinVar:

ClinVar aggregate classification (germline): Likely benign. Review status: criteria provided, single submitter (1 of 4 stars). 2 submissions from 2 submitters: Likely benign (1). 1 of the submissions does not count toward it. Last evaluated 2025-05-28.

Conditions:
RERE-related disorder. Also called: RERE-related condition; RERE-Related Disorders. Identifiers: MedGen CN381537.

Allele frequency attached by ClinVar (database versions not stated): gnomAD exomes 0.00002; TOPMed 0.00002; ExAC 0.00005.
gnomAD v4.1: 29 of 1,613,470 alleles (0.0018%); highest among the groups gnomAD compares: Admixed American, 0.017%; no homozygotes.

Submissions (2):

Labcorp Genetics (formerly Invitae), Labcorp
Classification: Likely benign. Last evaluated: 2025-05-28. Review status: criteria provided, single submitter. Criteria: Invitae Variant Classification Sherloc (09022015). Collection method: clinical testing. Allele origin: germline.

PreventionGenetics, part of Exact Sciences
Classification: Likely benign for RERE-related condition. Last evaluated: 2019-06-03. Review status: no assertion criteria provided. Collection method: clinical testing. Allele origin: germline. Not counted in ClinVar's aggregate classification.
Comment: This variant is classified as likely benign based on ACMG/AMP sequence variant interpretation guidelines (Richards et al. 2015 PMID: 25741868, with internal and published modifications).

NM_001042681.2(RERE):c.4233C>T (p.Ser1411=)

Gene: RERE (arginine-glutamic acid dipeptide repeats; minus strand). Cytogenetic location: 1p36.23.
Variant type: single nucleotide variant.
Coding change: c.4233C>T on transcript NM_001042681.2 (MANE Select); coding-DNA position 4233, C replaced by T.
Protein change: p.Ser1411=; no amino-acid change (serine 1411 retained).
Molecular consequence: synonymous variant.
Genome position (GRCh38, 1-based): chr1:8,358,302, G>A on the plus strand (C>T on the coding strand, the complement: RERE is on the minus strand). VCF-style: chr1-8358302-G-A. GRCh37 (hg19) VCF-style: chr1-8418362-G-A.
Other names: c.2571C>T, p.Ser857= (NM_001042682.2); c.4233C>T, p.Ser1411= (NM_012102.4); c.4233C>T (NM_012102.3).
Identifiers: ClinVar variation 2178481 (VCV002178481.6), dbSNP rs769053249, ClinGen allele CA570864.
Genomic context (GRCh38, chr1:8,358,302, plus strand): 5'-GTGAGAGTGCTGGTGATGGTGCGGAGTCACGTTGAACATCTGCAGTCGGGCCAGGGGATC[G>A]CTGGTCAGCGATGCCATGCGCTCTGCGTGGATACGCTCGGCTGCCAGTCTGTCAGGGTAG-3'
Protein context (NP_001036146.1, residues 1401-1421): IHAERMASLT[Ser1411=]DPLARLQMFN